The following is an entry in ClinVar:

ClinVar aggregate classification (germline): Pathogenic (1 of 4 stars; one submission).

Conditions:
Marfan syndrome (MFS). Also called: FBN1-Related Marfan Syndrome; MARFAN SYNDROME, TYPE I; Marfan syndrome type 1; Marfan's syndrome; Marfan syndrome, classic. Identifiers: Orphanet 284963, Orphanet 558, MedGen C0024796, MONDO:0007947, OMIM 154700.

Submission:

Centro Nacional de Genética Medica, Administración Nacional de Laboratorios e Institutos de Salud (ANLIS) “Dr. Carlos G Malbrán”
Classification: Pathogenic for Marfan syndrome. Last evaluated: 2024-06-07. Review status: criteria provided, single submitter. Criteria: ACMG Guidelines, 2015. Collection method: clinical testing. Allele origin: germline. Affected: yes. Observed: 2 variant alleles.
Comment: The heterozygous nucleotide variant c.5852del was found in exon 48/66 of the canonical transcript NM_000138.5 of the FBN1 gene. This variant produces a protein-level change, p.V1951Gfs*29, which generates a frameshift, changing the amino acid valine at position 1951 to glycine. This is followed by a sequence of 28 aberrant amino acids and the appearance of a premature translation termination codon at position 29 downstream of the initial variant site. This type of variant generally results in the deletion of messenger RNA through nonsense-mediated decay (NMD) (PMID: 16757948; PMID: 17352659). The gene is haploinsufficient, and as a consequence of this variant, there would be no translation and, therefore, a lack of protein (PVS1). Loss-of-function variants are known to be a mechanism of pathogenicity in this gene (1450 pathogenic null variants reported in ClinVar) (PMID: 17701892; 21063442; 30286810). The variant found is not present in population databases such as GnomAD, ExAc, or 1000 Genomes (PM2_Supporting). The pathogenic variant p.V1951Ifs*31, associated with Marfan syndrome (RCV001070259.5), is reported in the ClinVar database. This variant affects the same amino acid as the variant found in the patient and also generates a frameshift. The patient's phenotype is consistent with Marfan syndrome, and the FBN1 gene is closely associated with the condition (PP4). Therefore, and following the international guidelines of the American College of Medical Genetics (ACMG), the heterozygous variant identified in the FBN1 gene, c.5852del, is classified as a pathogenic variant (PVS1, PM2_supporting, PP1, PP4).

Literature cited by the submitters: PubMed 16757948; PubMed 17352659; PubMed 17701892; PubMed 21063442; PubMed 30286810.

NM_000138.5(FBN1):c.5852del (p.Val1951fs)

Gene: FBN1 (fibrillin 1; minus strand). Cytogenetic location: 15q21.1.
Variant type: Deletion.
Coding change: c.5852del on transcript NM_000138.5 (MANE Select); coding-DNA position 5852, one base deleted (T; older notation c.5852delT).
Protein change: p.Val1951fs; shifts the reading frame from valine 1951.
Molecular consequence: frameshift variant.
Genome position (GRCh38, 1-based): chr15:48,445,441, A deleted on the plus strand (T on the coding strand, the reverse complement: FBN1 is on the minus strand). VCF-style (leftmost placement, unchanged base first): chr15-48445440-CA-C. GRCh37 (hg19) VCF-style: chr15-48737637-CA-C.
Other names: c.5852del, p.Val1951fs (NM_001406716.1); short protein forms V1951fs.
Identifiers: ClinVar variation 4871692 (VCV004871692.1).